The following is an entry in ClinVar:

NM_002878.4(RAD51D):c.82+8G>A

Genes: RAD51D (RAD51 paralog D; minus strand), RAD51L3-RFFL (RAD51L3-RFFL readthrough; minus strand). Cytogenetic location: 17q12.
Variant type: single nucleotide variant.
Coding change: c.82+8G>A on transcript NM_002878.4 (MANE Select); 8 bases into the intron after coding-DNA position 82, G replaced by A.
Molecular consequence: intron variant.
Genome position (GRCh38, 1-based): chr17:35,119,524, C>T on the plus strand (G>A on the coding strand, the complement: RAD51D is on the minus strand). VCF-style: chr17-35119524-C-T. GRCh37 (hg19) VCF-style: chr17-33446543-C-T.
Other names: c.82+8G>A (NM_133629.3, NM_001142571.2).
Identifiers: ClinVar variation 2105816 (VCV002105816.5), dbSNP rs2142479976, ClinGen allele CA2580093276.

ClinVar aggregate classification (germline): Likely benign. Review status: criteria provided, multiple submitters, no conflicts (2 of 4 stars). 2 submissions from 2 submitters: Likely benign (2). Last evaluated 2025-02-20.

Conditions:
Breast-ovarian cancer, familial, susceptibility to, 4. Identifiers: Orphanet 145, MedGen C3280345, MONDO:0013669, OMIM 614291.

Submissions (2):

Myriad Genetics, Inc.
Classification: Likely benign for Breast-ovarian cancer, familial, susceptibility to, 4. Last evaluated: 2025-02-20. Review status: criteria provided, single submitter. Criteria: Myriad Autosomal Dominant, Autosomal Recessive and X-Linked Classification Criteria (2023). Collection method: clinical testing. Allele origin: unknown.
Comment: This variant is considered likely benign. This variant is intronic and is not expected to impact mRNA splicing.

Labcorp Genetics (formerly Invitae), Labcorp
Classification: Likely benign for Breast-ovarian cancer, familial, susceptibility to, 4. Last evaluated: 2022-03-02. Review status: criteria provided, single submitter. Criteria: Invitae Variant Classification Sherloc (09022015). Collection method: clinical testing. Allele origin: germline.